The following is an entry in ClinVar:

NM_001001344.3(ATP2B3):c.209-17T>A

Gene: ATP2B3 (ATPase plasma membrane Ca2+ transporting 3; plus strand). Cytogenetic location: Xq28.
Variant type: single nucleotide variant.
Coding change: c.209-17T>A on transcript NM_001001344.3 (MANE Select); 17 bases into the intron before coding-DNA position 209, T replaced by A.
Molecular consequence: intron variant.
Genome position (GRCh38, 1-based): chrX:153,541,342, T>A. VCF-style: chrX-153541342-T-A. GRCh37 (hg19) VCF-style: chrX-152806800-T-A.
Other names: c.209-17T>A (NM_021949.4, NM_001388360.1, NM_001388361.1 and 2 more transcripts).
Identifiers: ClinVar variation 2504161 (VCV002504161.2), dbSNP rs2521490190, ClinGen allele CA2579727998.

ClinVar aggregate classification (germline): Uncertain significance (1 of 4 stars; one submission).

Allele frequency attached by ClinVar (database versions not stated): gnomAD exomes below 0.00001.
gnomAD v4.1: 1 of 1,211,536 alleles (0.000083%); highest among the groups gnomAD compares: Non-Finnish European, 0.00011%; no homozygotes.

Submission:

Centre of Medical Genetics, University Hospital Muenster
Classification: Uncertain significance. Last evaluated: 2023-05-09. Review status: criteria provided, single submitter. Criteria: ACMG Guidelines, 2015. Collection method: clinical testing. Allele origin: unknown. Affected: yes. Observed: 1 variant allele.
Comment: ACMG categories: PM2